The following is an entry in ClinVar:

ClinVar aggregate classification (germline): Uncertain significance. Review status: criteria provided, multiple submitters, no conflicts (2 of 4 stars). 2 submissions from 2 submitters: Uncertain significance (2). Last evaluated 2024-07-17.

Conditions:
Congenital contractural arachnodactyly (CCA). Also called: Arthrogryposis, distal, type 9; BEALS SYNDROME; Beals-Hecht syndrome. Identifiers: Orphanet 115, MedGen C0220668, MONDO:0007363, OMIM 121050.

Allele frequency attached by ClinVar (database versions not stated): TOPMed below 0.00001; ExAC 0.00002.
gnomAD v4.1: 9 of 1,614,100 alleles (0.00056%); highest among the groups gnomAD compares: Non-Finnish European, 0.00076%; no homozygotes.

Submissions (2):

Labcorp Genetics (formerly Invitae), Labcorp
Classification: Uncertain significance for Congenital contractural arachnodactyly. Last evaluated: 2024-07-17. Review status: criteria provided, single submitter. Criteria: Invitae Variant Classification Sherloc (09022015). Collection method: clinical testing. Allele origin: germline.
Comment: This sequence change replaces proline, which is neutral and non-polar, with threonine, which is neutral and polar, at codon 839 of the FBN2 protein (p.Pro839Thr). This variant is present in population databases (rs751263399, gnomAD 0.002%). This variant has not been reported in the literature in individuals affected with FBN2-related conditions. ClinVar contains an entry for this variant (Variation ID: 1303949). Advanced modeling of protein sequence and biophysical properties (such as structural, functional, and spatial information, amino acid conservation, physicochemical variation, residue mobility, and thermodynamic stability) performed at Invitae indicates that this missense variant is not expected to disrupt FBN2 protein function with a negative predictive value of 80%. In summary, the available evidence is currently insufficient to determine the role of this variant in disease. Therefore, it has been classified as a Variant of Uncertain Significance.

GeneDx
Classification: Uncertain significance. Last evaluated: 2019-09-05. Review status: criteria provided, single submitter. Criteria: GeneDx Variant Classification Process June 2021. Collection method: clinical testing. Allele origin: germline. Affected: yes.
Comment: Has not been previously published as pathogenic or benign to our knowledge; Not observed at a significant frequency in large population cohorts (Lek et al., 2016); In silico analysis, which includes protein predictors and evolutionary conservation, supports that this variant does not alter protein structure/function; Although located in a calcium-binding EGF-like domain of the FBN2 gene, it does not affect a cysteine residue within this domain; cysteine substitutions in the calcium-binding EGF-like domains represent the majority of pathogenic missense changes associated with FBN2-related disorders (Collod-Beroud et al., 2003; Frederic et al., 2009)

NM_001999.4(FBN2):c.2515C>A (p.Pro839Thr)

Gene: FBN2 (fibrillin 2; minus strand). Cytogenetic location: 5q23.3.
Variant type: single nucleotide variant.
Coding change: c.2515C>A on transcript NM_001999.4 (MANE Select); coding-DNA position 2515, C replaced by A.
Protein change: p.Pro839Thr; replaces proline 839 with threonine.
Molecular consequence: missense variant.
Genome position (GRCh38, 1-based): chr5:128,361,762, G>T on the plus strand (C>A on the coding strand, the complement: FBN2 is on the minus strand). VCF-style: chr5-128361762-G-T. GRCh37 (hg19) VCF-style: chr5-127697455-G-T.
Other names: short protein forms P839T.
Identifiers: ClinVar variation 1303949 (VCV001303949.5), dbSNP rs751263399, ClinGen allele CA3395527.
Genomic context (GRCh38, chr5:128,361,762, plus strand): 5'-GGCGATGAAGACAGCTCTTACCTTCACAGGTCTCTGTCTCAGTCCTGAACACATACCCTG[G>T]TGGGCACGTACAGCTGTAACTTCCTGGCGTGTTTCGGCACAATCCGTTATCACAAAGCAG-3'
Protein context (NP_001990.2, residues 829-849): TPGSYSCTCP[Pro839Thr]GYVFRTETET